The following is an entry in ClinVar:

ClinVar aggregate classification (germline): Likely benign (1 of 4 stars; one submission).

Submission:

CeGaT Center for Human Genetics Tuebingen
Classification: Likely benign. Last evaluated: 2024-09-01. Review status: criteria provided, single submitter. Criteria: CeGaT Center For Human Genetics Tuebingen Variant Classification Criteria Version 2. Collection method: clinical testing. Allele origin: germline. Affected: yes. Observed: 1 variant allele.
Comment: NEK9: PM2:Supporting, BP4, BP7

NM_033116.6(NEK9):c.1212T>C (p.Gly404=)

Gene: NEK9 (NIMA related kinase 9; minus strand). Cytogenetic location: 14q24.3.
Variant type: single nucleotide variant.
Coding change: c.1212T>C on transcript NM_033116.6 (MANE Select); coding-DNA position 1212, T replaced by C.
Protein change: p.Gly404=; no amino-acid change (glycine 404 retained).
Molecular consequence: synonymous variant.
Genome position (GRCh38, 1-based): chr14:75,107,458, A>G on the plus strand (T>C on the coding strand, the complement: NEK9 is on the minus strand). VCF-style: chr14-75107458-A-G. GRCh37 (hg19) VCF-style: chr14-75574161-A-G.
Other names: c.1212T>C, p.Gly404= (NM_001329237.2); c.858T>C, p.Gly286= (NM_001329238.2).
Identifiers: ClinVar variation 3388798 (VCV003388798.14).
Genomic context (GRCh38, chr14:75,107,458, plus strand): 5'-TTGCAACTTTTCCACATGCTTTGGCTGTCGATAGGAGGCTTTGTCTCCATGGCCCAGCTG[A>G]CCATGGAGTTTAGTGCCTCCTTGCATGTTCTGTGAAATAAAGAGGTCTTATGACTTTTTT-3'
Protein context (NP_149107.4, residues 394-414): VNMQGGTKLH[Gly404=]QLGHGDKASY